The following is an entry in ClinVar:

NM_006949.4(STXBP2):c.1514C>A (p.Thr505Lys)

Gene: STXBP2 (syntaxin binding protein 2; plus strand). Cytogenetic location: 19p13.2.
Variant type: single nucleotide variant.
Coding change: c.1514C>A on transcript NM_006949.4 (MANE Select); coding-DNA position 1514, C replaced by A.
Protein change: p.Thr505Lys; replaces threonine 505 with lysine.
Molecular consequence: missense variant. On other transcripts: non-coding transcript variant (1).
Genome position (GRCh38, 1-based): chr19:7,647,223, C>A. VCF-style: chr19-7647223-C-A. GRCh37 (hg19) VCF-style: chr19-7712109-C-A.
Other names: c.1505C>A, p.Thr502Lys (NM_001127396.3); c.1547C>A, p.Thr516Lys (NM_001272034.2); c.1418C>A, p.Thr473Lys (NM_001414484.1); short protein forms T473K, T505K, T502K, T516K.
Identifiers: ClinVar variation 2074631 (VCV002074631.4), dbSNP rs375024471, ClinGen allele CA403161855.

ClinVar aggregate classification (germline): Uncertain significance (1 of 4 stars; one submission).

Conditions:
Familial hemophagocytic lymphohistiocytosis 5. Also called: STXBP2-Related Familial Hemophagocytic Lymphohistiocytosis (STXBP2-fHLH). Identifiers: Orphanet 540, MedGen C2751293, MONDO:0013135, OMIM 613101.

gnomAD v4.1: 3 of 1,611,486 alleles (0.00019%); highest among the groups gnomAD compares: African/African-American, 0.0027%; no homozygotes.

Submission:

Labcorp Genetics (formerly Invitae), Labcorp
Classification: Uncertain significance for Familial hemophagocytic lymphohistiocytosis 5. Last evaluated: 2025-05-28. Review status: criteria provided, single submitter. Criteria: Invitae Variant Classification Sherloc (09022015). Collection method: clinical testing. Allele origin: germline.
Comment: This sequence change replaces threonine, which is neutral and polar, with lysine, which is basic and polar, at codon 505 of the STXBP2 protein (p.Thr505Lys). This variant is present in population databases (no rsID available, gnomAD 0.007%). This variant has not been reported in the literature in individuals affected with STXBP2-related conditions. ClinVar contains an entry for this variant (Variation ID: 2074631). Invitae Evidence Modeling of protein sequence and biophysical properties (such as structural, functional, and spatial information, amino acid conservation, physicochemical variation, residue mobility, and thermodynamic stability) indicates that this missense variant is not expected to disrupt STXBP2 protein function with a negative predictive value of 95%. In summary, the available evidence is currently insufficient to determine the role of this variant in disease. Therefore, it has been classified as a Variant of Uncertain Significance.